The following is an entry in ClinVar:

ClinVar aggregate classification (germline): Conflicting classifications of pathogenicity. Review status: criteria provided, conflicting classifications (1 of 4 stars). 2 submissions from 2 submitters: Uncertain significance (1); Likely benign (1). Last evaluated 2022-05-24.

Conditions:
Alstrom syndrome (ALMS). Identifiers: Orphanet 64, MedGen C0268425, MONDO:0008763, OMIM 203800.
ALMS1-related disorder. Also called: ALMS1-related condition.

Allele frequency attached by ClinVar (database versions not stated): gnomAD exomes below 0.00001.
gnomAD v4.1: 4 of 1,614,102 alleles (0.00025%); highest among the groups gnomAD compares: Non-Finnish European, 0.00017%; no homozygotes.

Submissions (2):

PreventionGenetics, part of Exact Sciences
Classification: Likely benign for ALMS1-related condition. Last evaluated: 2022-05-24. Review status: criteria provided, single submitter. Criteria: ACMG Guidelines, 2015. Collection method: clinical testing. Allele origin: germline.
Comment: This variant is classified as likely benign based on ACMG/AMP sequence variant interpretation guidelines (Richards et al. 2015 PMID: 25741868, with internal and published modifications).

Labcorp Genetics (formerly Invitae), Labcorp
Classification: Uncertain significance for Alstrom syndrome. Last evaluated: 2022-02-04. Review status: criteria provided, single submitter. Criteria: Invitae Variant Classification Sherloc (09022015). Collection method: clinical testing. Allele origin: germline.
Comment: This sequence change replaces aspartic acid, which is acidic and polar, with glycine, which is neutral and non-polar, at codon 2940 of the ALMS1 protein (p.Asp2940Gly). This variant is not present in population databases (gnomAD no frequency). This variant has not been reported in the literature in individuals affected with ALMS1-related conditions. ClinVar contains an entry for this variant (Variation ID: 337026). Experimental studies and prediction algorithms are not available or were not evaluated, and the functional significance of this variant is currently unknown. In summary, the available evidence is currently insufficient to determine the role of this variant in disease. Therefore, it has been classified as a Variant of Uncertain Significance.

NM_001378454.1(ALMS1):c.8816A>G (p.Asp2939Gly)

Gene: ALMS1 (ALMS1 centrosome and basal body associated protein; plus strand). Cytogenetic location: 2p13.1.
Variant type: single nucleotide variant.
Coding change: c.8816A>G on transcript NM_001378454.1 (MANE Select); coding-DNA position 8816, A replaced by G.
Protein change: p.Asp2939Gly; replaces aspartic acid 2939 with glycine.
Molecular consequence: missense variant.
Genome position (GRCh38, 1-based): chr2:73,490,775, A>G. VCF-style: chr2-73490775-A-G. GRCh37 (hg19) VCF-style: chr2-73717902-A-G.
Other names: c.8819A>G, p.Asp2940Gly (NM_015120.4); short protein forms D2940G, D2939G.
Identifiers: ClinVar variation 337026 (VCV000337026.8), dbSNP rs886056313, ClinGen allele CA10614378.